The following is an entry in ClinVar:

NM_006231.4(POLE):c.2019C>T (p.Gly673=)

Gene: POLE (DNA polymerase epsilon, catalytic subunit; minus strand). Cytogenetic location: 12q24.33.
Variant type: single nucleotide variant.
Coding change: c.2019C>T on transcript NM_006231.4 (MANE Select); coding-DNA position 2019, C replaced by T.
Protein change: p.Gly673=; no amino-acid change (glycine 673 retained).
Molecular consequence: synonymous variant.
Genome position (GRCh38, 1-based): chr12:132,668,642, G>A on the plus strand (C>T on the coding strand, the complement: POLE is on the minus strand). VCF-style: chr12-132668642-G-A. GRCh37 (hg19) VCF-style: chr12-133245228-G-A.
Other names: c.2019C>T (NM_006231.2).
Identifiers: ClinVar variation 540631 (VCV000540631.16), dbSNP rs748614767, ClinGen allele CA6893740.

ClinVar aggregate classification (germline): Uncertain significance. Review status: criteria provided, multiple submitters, no conflicts (2 of 4 stars). 4 submissions from 4 submitters: Uncertain significance (4). Last evaluated 2025-03-06.

Conditions:
Hereditary cancer-predisposing syndrome. Also called: Neoplastic Syndromes, Hereditary; Hereditary Cancer Syndrome; Hereditary neoplastic syndrome; Tumor predisposition. Identifiers: Orphanet 140162, MedGen C0027672, MeSH D009386, MONDO:0015356.

Allele frequency attached by ClinVar (database versions not stated): gnomAD exomes below 0.00001 and 0.00001; TOPMed below 0.00001; ExAC 0.00001.
gnomAD v4.1: 8 of 1,611,370 alleles (0.0005%); highest among the groups gnomAD compares: Non-Finnish European, 0.00068%; no homozygotes.

Submissions (4):

Labcorp Genetics (formerly Invitae), Labcorp
Classification: Uncertain significance. Last evaluated: 2025-03-06. Review status: criteria provided, single submitter. Criteria: Invitae Variant Classification Sherloc (09022015). Collection method: clinical testing. Allele origin: germline.
Comment: This sequence change affects codon 673 of the POLE mRNA. It is a 'silent' change, meaning that it does not change the encoded amino acid sequence of the POLE protein. RNA analysis indicates that this variant induces altered splicing and likely results in the loss of 4 and gain of 1 amino acid residue(s), but is expected to preserve the integrity of the reading-frame. This variant is present in population databases (rs748614767, gnomAD 0.0009%). This variant has not been reported in the literature in individuals affected with POLE-related conditions. ClinVar contains an entry for this variant (Variation ID: 540631). Studies have shown that this variant results in the activation of a cryptic splice site in exon 18 (internal data). In summary, the available evidence is currently insufficient to determine the role of this variant in disease. Therefore, it has been classified as a Variant of Uncertain Significance.

Ambry Genetics
Classification: Uncertain significance for Hereditary cancer-predisposing syndrome. Last evaluated: 2024-12-12. Review status: criteria provided, single submitter. Criteria: Ambry Variant Classification Scheme 2023. Collection method: clinical testing. Allele origin: germline.
Comment: The c.2019C>T variant (also known as p.G673G), located in coding exon 18 of the POLE gene, results from a C to T substitution at nucleotide position 2019. This nucleotide substitution does not change the at codon 673. However, this change occurs in the base pair of coding exon 18, which makes it likely to have some effect on normal mRNA splicing. This nucleotide position is not well conserved in available vertebrate species. In silico splice site analysis predicts that this alteration may weaken the native splice donor site and will result in the creation or strengthening of a novel splice donor site. Based on the available evidence, the clinical significance of this variant remains unclear.

GeneDx
Classification: Uncertain significance. Last evaluated: 2021-02-25. Review status: criteria provided, single submitter. Criteria: GeneDx Variant Classification Process June 2021. Collection method: clinical testing. Allele origin: germline. Affected: yes.
Comment: Not observed at a significant frequency in large population cohorts (Lek 2016); In silico analysis supports a deleterious effect on splicing; Has not been previously published as pathogenic or benign to our knowledge

PreventionGenetics, part of Exact Sciences
Classification: Uncertain significance. Last evaluated: 2017-03-27. Review status: criteria provided, single submitter. Criteria: ACMG Guidelines, 2015. Collection method: clinical testing. Allele origin: germline.